The following is an entry in ClinVar:

ClinVar aggregate classification (germline): Likely pathogenic (1 of 4 stars; one submission).

Submission:

GeneDx
Classification: Likely pathogenic. Last evaluated: 2025-06-24. Review status: criteria provided, single submitter. Criteria: GeneDx Variant Classification Process June 2021. Collection method: clinical testing. Allele origin: germline. Affected: yes.
Comment: Frameshift variant predicted to result in protein truncation or nonsense mediated decay in a gene for which loss of function is a known mechanism of disease; Not observed at significant frequency in large population cohorts (gnomAD); Has not been previously published as pathogenic or benign to our knowledge

NM_001384474.1(LOXHD1):c.1267dup (p.Phe425fs)

Gene: LOXHD1 (lipoxygenase homology PLAT domains 1; minus strand). Cytogenetic location: 18q21.1.
Variant type: Duplication.
Coding change: c.1267dup on transcript NM_001384474.1 (MANE Select); coding-DNA position 1267, one base duplicated (A; older notation c.1267dupA).
Protein change: p.Phe425fs; shifts the reading frame from phenylalanine 425.
Molecular consequence: frameshift variant.
Genome position (GRCh38, 1-based): chr18:46,594,331, T duplicated on the plus strand (A on the coding strand, the reverse complement: LOXHD1 is on the minus strand); the first of 4 consecutive T bases (chr18:46,594,331-46,594,334); duplicating any one gives the same sequence. VCF-style (leftmost placement, unchanged base first): chr18-46594330-C-CT. GRCh37 (hg19) VCF-style: chr18-44174293-C-CT.
Other names: c.1267dup, p.Phe425fs (NM_144612.7); short protein forms F425fs.
Identifiers: ClinVar variation 4540158 (VCV004540158.1).